The following is an entry in ClinVar:

NM_021008.4(DEAF1):c.200C>T (p.Ala67Val)

Gene: DEAF1 (DEAF1 transcription factor; minus strand). Cytogenetic location: 11p15.5.
Variant type: single nucleotide variant.
Coding change: c.200C>T on transcript NM_021008.4 (MANE Select); coding-DNA position 200, C replaced by T.
Protein change: p.Ala67Val; replaces alanine 67 with valine.
Molecular consequence: missense variant. On other transcripts: intron variant (1).
Genome position (GRCh38, 1-based): chr11:694,848, G>A on the plus strand (C>T on the coding strand, the complement: DEAF1 is on the minus strand). VCF-style: chr11-694848-G-A. GRCh37 (hg19) VCF-style: chr11-694848-G-A.
Other names: c.-437-3250C>T (NM_001367390.1); c.200C>T, p.Ala67Val (NM_001293634.2); short protein forms A67V.
Identifiers: ClinVar variation 3719698 (VCV003719698.2).

ClinVar aggregate classification (germline): Uncertain significance (1 of 4 stars; one submission).

Submission:

Labcorp Genetics (formerly Invitae), Labcorp
Classification: Uncertain significance. Last evaluated: 2024-12-24. Review status: criteria provided, single submitter. Criteria: Invitae Variant Classification Sherloc (09022015). Collection method: clinical testing. Allele origin: germline.
Comment: This sequence change replaces alanine, which is neutral and non-polar, with valine, which is neutral and non-polar, at codon 67 of the DEAF1 protein (p.Ala67Val). This variant is not present in population databases (gnomAD no frequency). This variant has not been reported in the literature in individuals affected with DEAF1-related conditions. Invitae Evidence Modeling of protein sequence and biophysical properties (such as structural, functional, and spatial information, amino acid conservation, physicochemical variation, residue mobility, and thermodynamic stability) has been performed for this missense variant. However, the output from this modeling did not meet the statistical confidence thresholds required to predict the impact of this variant on DEAF1 protein function. In summary, the available evidence is currently insufficient to determine the role of this variant in disease. Therefore, it has been classified as a Variant of Uncertain Significance.